The following is an entry in ClinVar:

NM_000186.4(CFH):c.1337-2051C>T

Gene: CFH (complement factor H; plus strand). Cytogenetic location: 1q31.3.
Variant type: single nucleotide variant.
Coding change: c.1337-2051C>T on transcript NM_000186.4 (MANE Select); 2051 bases into the intron before coding-DNA position 1337, C replaced by T.
Molecular consequence: intron variant.
Genome position (GRCh38, 1-based): chr1:196,711,684, C>T. VCF-style: chr1-196711684-C-T. GRCh37 (hg19) VCF-style: chr1-196680814-C-T.
Identifiers: ClinVar variation 4291386 (VCV004291386.1).

ClinVar aggregate classification (germline): Benign (1 of 4 stars; one submission).

Conditions:
Atypical hemolytic-uremic syndrome. Identifiers: Orphanet 2134, MedGen C2931788, MONDO:0016244.
Basal laminar drusen. Also called: DRUSEN OF BRUCH MEMBRANE; DRUSEN, CUTICULAR; DRUSEN, EARLY ADULT-ONSET, GROUPED. Identifiers: Orphanet 75376, MedGen C0730295, MONDO:0007472, OMIM 126700.
Factor H deficiency (CFHD). Also called: COMPLEMENT FACTOR H DEFICIENCY; CFH DEFICIENCY. Identifiers: Orphanet 200421, MedGen C0398777, MONDO:0012350, OMIM 609814.
Age related macular degeneration 4. Identifiers: MedGen C1853147, MONDO:0012540, OMIM 610698.

gnomAD v4.1: 31,002 of 151,906 alleles (20%); highest among the groups gnomAD compares: East Asian, 39%; 3,635 homozygotes.

Submission:

Genomenon, Inc
Classification: Benign for Basal laminar drusen; Age related macular degeneration 4; Atypical hemolytic-uremic syndrome; Factor H deficiency. Last evaluated: 2025-10-02. Review status: criteria provided, single submitter. Criteria: Genomenon Sequence Variant Interpretation Standards - Updated. Collection method: curation. Allele origin: germline. Affected: no.
Comment: CFH c.1337-2051C>T is a deep intronic variant located in intron 9. This variant is present at high allele frequency in population databases. In conclusion, we classify CFH c.1337-2051C>T as a benign variant.